The following is an entry in ClinVar:

NM_001127649.3(PEX26):c.*2701G>C

Gene: PEX26 (peroxisomal biogenesis factor 26; plus strand). Cytogenetic location: 22q11.21.
Variant type: single nucleotide variant.
Coding change: c.*2701G>C on transcript NM_001127649.3 (MANE Select); 2701 bases downstream of the stop codon, G replaced by C.
Molecular consequence: 3 prime UTR variant.
Genome position (GRCh38, 1-based): chr22:18,090,776, G>C. VCF-style: chr22-18090776-G-C. GRCh37 (hg19) VCF-style: chr22-18573542-G-C.
Other names: c.*2701G>C (NM_001199319.2, NM_017929.6).
Identifiers: ClinVar variation 340815 (VCV000340815.5), dbSNP rs114075265, ClinGen allele CA10650875.
Genomic context (GRCh38, chr22:18,090,776, plus strand): 5'-AATTTAGGGGCGCTAAGGAAAGCAGGAACCAGTAATCCTCTTCTGTGGTGGGATGGGAGG[G>C]TGGGGGAGAGGGGTGGAATGGAGAGGAAACAGGCTATTGTTGGCCAGCCCTGGGTGGAGG-3'

ClinVar aggregate classification (germline): Benign (1 of 4 stars; one submission).

Conditions:
Peroxisome biogenesis disorder 7A (Zellweger). Also called: Peroxisome biogenesis disorder 7A. Identifiers: Orphanet 912, MedGen C3888385, MONDO:0013938, OMIM 614872.

Allele frequency attached by ClinVar (database versions not stated): gnomAD 0.02360; TOPMed 0.02693; 1000 Genomes Project 0.02716.

Submission:

Illumina Laboratory Services, Illumina
Classification: Benign for Peroxisome biogenesis disorder 7A (Zellweger). Last evaluated: 2018-01-12. Review status: criteria provided, single submitter. Criteria: ICSL Variant Classification Criteria 13 December 2019. Collection method: clinical testing. Allele origin: germline.
Comment: This variant was observed in the ICSL laboratory as part of a predisposition screen in an ostensibly healthy population. It had not been previously curated by ICSL or reported in the Human Gene Mutation Database (HGMD: prior to June 1st, 2018), and was therefore a candidate for classification through an automated scoring system. Utilizing variant allele frequency, disease prevalence and penetrance estimates, and inheritance mode, an automated score was calculated to assess if this variant is too frequent to cause the disease. Based on the score and internal cut-off values, a variant classified as benign is not then subjected to further curation. The score for this variant resulted in a classification of benign for this disease.